The following is an entry in ClinVar:

ClinVar aggregate classification (germline): Pathogenic (1 of 4 stars; one submission).

Conditions:
Primary ciliary dyskinesia. Also called: Ciliary dyskinesia. Identifiers: Orphanet 244, MedGen C0008780, MONDO:0016575, HP:0012265.

Submission:

Labcorp Genetics (formerly Invitae), Labcorp
Classification: Pathogenic for Primary ciliary dyskinesia. Last evaluated: 2025-02-20. Review status: criteria provided, single submitter. Criteria: Invitae Variant Classification Sherloc (09022015). Collection method: clinical testing. Allele origin: germline.
Comment: This sequence change creates a premature translational stop signal (p.Leu2424Phefs*20) in the DNAH5 gene. It is expected to result in an absent or disrupted protein product. Loss-of-function variants in DNAH5 are known to be pathogenic (PMID: 11788826, 16627867). This variant is not present in population databases (gnomAD no frequency). This variant has not been reported in the literature in individuals affected with DNAH5-related conditions. For these reasons, this variant has been classified as Pathogenic.

Literature cited by the submitters: PubMed 11788826; PubMed 16627867.

NM_001369.3(DNAH5):c.7270del (p.Leu2424fs)

Gene: DNAH5 (dynein axonemal heavy chain 5; minus strand). Cytogenetic location: 5p15.2.
Variant type: Deletion.
Coding change: c.7270del on transcript NM_001369.3 (MANE Select); coding-DNA position 7270, one base deleted (C; older notation c.7270delC).
Protein change: p.Leu2424fs; shifts the reading frame from leucine 2424.
Molecular consequence: frameshift variant.
Genome position (GRCh38, 1-based): chr5:13,811,784, G deleted on the plus strand (C on the coding strand, the reverse complement: DNAH5 is on the minus strand). VCF-style (leftmost placement, unchanged base first): chr5-13811783-AG-A. GRCh37 (hg19) VCF-style: chr5-13811892-AG-A.
Other names: short protein forms L2424fs.
Identifiers: ClinVar variation 3663906 (VCV003663906.2).